The following is an entry in ClinVar:

ClinVar aggregate classification (germline): Uncertain significance (1 of 4 stars; one submission).

Conditions:
Common variable immunodeficiency (CVID). Also called: Common variable hypogamma-globulinemia; Common variable agammaglobulinemia. Identifiers: Orphanet 1572, MedGen C0009447, MONDO:0015517.

gnomAD v4.1: 2 of 1,614,088 alleles (0.00012%); highest among the groups gnomAD compares: Admixed American, 0.0017%; no homozygotes.

Submission:

Labcorp Genetics (formerly Invitae), Labcorp
Classification: Uncertain significance for Common variable immunodeficiency. Last evaluated: 2024-09-03. Review status: criteria provided, single submitter. Criteria: Invitae Variant Classification Sherloc (09022015). Collection method: clinical testing. Allele origin: germline.
Comment: This sequence change replaces arginine, which is basic and polar, with leucine, which is neutral and non-polar, at codon 87 of the TNFSF12 protein (p.Arg87Leu). This variant is present in population databases (rs752514616, gnomAD 0.003%). This variant has not been reported in the literature in individuals affected with TNFSF12-related conditions. An algorithm developed to predict the effect of missense changes on protein structure and function (PolyPhen-2) suggests that this variant is likely to be tolerated. In summary, the available evidence is currently insufficient to determine the role of this variant in disease. Therefore, it has been classified as a Variant of Uncertain Significance.

NM_003809.3(TNFSF12):c.260G>T (p.Arg87Leu)

Genes: TNFSF12 (TNF superfamily member 12; plus strand), TNFSF12-TNFSF13 (TNFSF12-TNFSF13 readthrough; plus strand). Cytogenetic location: 17p13.1.
Variant type: single nucleotide variant.
Coding change: c.260G>T on transcript NM_003809.3 (MANE Select); coding-DNA position 260, G replaced by T.
Protein change: p.Arg87Leu; replaces arginine 87 with leucine.
Molecular consequence: missense variant. On other transcripts: non-coding transcript variant (1).
Genome position (GRCh38, 1-based): chr17:7,550,172, G>T. VCF-style: chr17-7550172-G-T. GRCh37 (hg19) VCF-style: chr17-7453489-G-T.
Other names: c.260G>T, p.Arg87Leu (NM_172089.4); short protein forms R87L.
Identifiers: ClinVar variation 3617725 (VCV003617725.2).
Genomic context (GRCh38, chr17:7,550,172, plus strand): 5'-TCCCCTAGGAACTGAATCCCCAGACAGAAGAAAGCCAGGATCCTGCGCCTTTCCTGAACC[G>T]ACTAGTTCGGCCTCGCAGAAGTGGTGAGCATCCCTCTATCCCAACCTCAGGAAGCGGGCA-3'
Protein context (NP_003800.1, residues 77-97): ESQDPAPFLN[Arg87Leu]LVRPRRSAPK